The following is an entry in ClinVar:

ClinVar aggregate classification (germline): Uncertain significance (1 of 4 stars; one submission).

Submission:

Labcorp Genetics (formerly Invitae), Labcorp
Classification: Uncertain significance. Last evaluated: 2022-03-01. Review status: criteria provided, single submitter. Criteria: Invitae Variant Classification Sherloc (09022015). Collection method: clinical testing. Allele origin: germline.
Comment: In summary, the available evidence is currently insufficient to determine the role of this variant in disease. Therefore, it has been classified as a Variant of Uncertain Significance. Experimental studies and prediction algorithms are not available or were not evaluated, and the functional significance of this variant is currently unknown. This variant has not been reported in the literature in individuals affected with PRPF6-related conditions. This variant is not present in population databases (gnomAD no frequency). This variant, c.587_595del, is a complex sequence change that results in the deletion of 4 and insertion of 1 amino acid(s) in the PRPF6 protein (p.Asn196_Ser199delinsThr).

NM_012469.4(PRPF6):c.587_595del (p.Asn196_Ser199delinsThr)

Gene: PRPF6 (pre-mRNA processing factor 6; plus strand). Cytogenetic location: 20q13.33.
Variant type: Deletion.
Coding change: c.587_595del on transcript NM_012469.4 (MANE Select); coding-DNA positions 587 to 595, 9 bases deleted (ACCATACCT; older notation c.587_595delACCATACCT).
Protein change: p.Asn196_Ser199delinsThr.
Molecular consequence: inframe indel.
Genome position (GRCh38, 1-based): chr20:63,995,064-63,995,072, ACCATACCT deleted. VCF-style (leftmost placement, unchanged base first): chr20-63995063-AACCATACCT-A. GRCh37 (hg19) VCF-style: chr20-62626416-AACCATACCT-A.
Identifiers: ClinVar variation 2103760 (VCV002103760.4), dbSNP rs2517617535, ClinGen allele CA2580098481.